The following is an entry in ClinVar:

NM_001290043.2(TAP2):c.580T>G (p.Phe194Val)

Genes: TAP2 (transporter 2, ATP binding cassette subfamily B member; minus strand), LOC107648851 (meiotic recombination hotspot TAP2; plus strand). Cytogenetic location: 6p21.32.
Variant type: single nucleotide variant.
Coding change: c.580T>G on transcript NM_001290043.2 (MANE Select); coding-DNA position 580, T replaced by G.
Protein change: p.Phe194Val; replaces phenylalanine 194 with valine.
Molecular consequence: missense variant.
Genome position (GRCh38, 1-based): chr6:32,837,565, A>C on the plus strand (T>G on the coding strand, the complement: TAP2 is on the minus strand). VCF-style: chr6-32837565-A-C. GRCh37 (hg19) VCF-style: chr6-32805342-A-C.
Other names: c.580T>G, p.Phe194Val (NM_000544.3, NM_018833.3); short protein forms F194V.
Identifiers: ClinVar variation 950111 (VCV000950111.10), dbSNP rs1769497083, ClinGen allele CA363586000.

ClinVar aggregate classification (germline): Uncertain significance (1 of 4 stars; one submission).

Conditions:
MHC class I deficiency. Identifiers: Orphanet 34592, MedGen C6024714, MONDO:0011476.

Submission:

Labcorp Genetics (formerly Invitae), Labcorp
Classification: Uncertain significance for MHC class I deficiency 1. Last evaluated: 2022-10-17. Review status: criteria provided, single submitter. Criteria: Invitae Variant Classification Sherloc (09022015). Collection method: clinical testing. Allele origin: germline.
Comment: In summary, the available evidence is currently insufficient to determine the role of this variant in disease. Therefore, it has been classified as a Variant of Uncertain Significance. Algorithms developed to predict the effect of missense changes on protein structure and function are either unavailable or do not agree on the potential impact of this missense change (SIFT: "Deleterious"; PolyPhen-2: "Not Available"; Align-GVGD: "Class C0"). ClinVar contains an entry for this variant (Variation ID: 950111). This variant has not been reported in the literature in individuals affected with TAP2-related conditions. This variant is not present in population databases (gnomAD no frequency). This sequence change replaces phenylalanine, which is neutral and non-polar, with valine, which is neutral and non-polar, at codon 194 of the TAP2 protein (p.Phe194Val).